The following is an entry in ClinVar:

NM_003664.5(AP3B1):c.1061T>A (p.Leu354Gln)

Gene: AP3B1 (adaptor related protein complex 3 subunit beta 1; minus strand). Cytogenetic location: 5q14.1.
Variant type: single nucleotide variant.
Coding change: c.1061T>A on transcript NM_003664.5 (MANE Select); coding-DNA position 1061, T replaced by A.
Protein change: p.Leu354Gln; replaces leucine 354 with glutamine.
Molecular consequence: missense variant.
Genome position (GRCh38, 1-based): chr5:78,175,818, A>T on the plus strand (T>A on the coding strand, the complement: AP3B1 is on the minus strand). VCF-style: chr5-78175818-A-T. GRCh37 (hg19) VCF-style: chr5-77471642-A-T.
Other names: c.914T>A, p.Leu305Gln (NM_001271769.2); c.1061T>A, p.Leu354Gln (NM_001410752.1); short protein forms L354Q, L305Q.
Identifiers: ClinVar variation 2086906 (VCV002086906.4), dbSNP rs2531107914, ClinGen allele CA360189611.

ClinVar aggregate classification (germline): Uncertain significance (1 of 4 stars; one submission).

Conditions:
Hermansky-Pudlak syndrome 2 (HPS2). Also called: Platelet defects and oculocutaneous albinism. Identifiers: Orphanet 183678, Orphanet 79430, MedGen C1842362, MONDO:0011997, OMIM 608233.

Submission:

Labcorp Genetics (formerly Invitae), Labcorp
Classification: Uncertain significance for Hermansky-Pudlak syndrome 2. Last evaluated: 2023-07-07. Review status: criteria provided, single submitter. Criteria: Invitae Variant Classification Sherloc (09022015). Collection method: clinical testing. Allele origin: germline.
Comment: This variant has not been reported in the literature in individuals affected with AP3B1-related conditions. ClinVar contains an entry for this variant (Variation ID: 2086906). An algorithm developed to predict the effect of missense changes on protein structure and function (PolyPhen-2) suggests that this variant is likely to be disruptive. This sequence change replaces leucine, which is neutral and non-polar, with glutamine, which is neutral and polar, at codon 354 of the AP3B1 protein (p.Leu354Gln). This variant is not present in population databases (gnomAD no frequency). In summary, the available evidence is currently insufficient to determine the role of this variant in disease. Therefore, it has been classified as a Variant of Uncertain Significance.